The following is an entry in ClinVar:

ClinVar aggregate classification (germline): Uncertain significance (1 of 4 stars; one submission).

Conditions:
Cardiovascular phenotype. Identifiers: MedGen CN230736.

Allele frequency attached by ClinVar (database versions not stated): TOPMed 0.00001.

Submission:

Ambry Genetics
Classification: Uncertain significance for Cardiovascular phenotype. Last evaluated: 2020-07-08. Review status: criteria provided, single submitter. Criteria: Ambry Variant Classification Scheme 2023. Collection method: clinical testing. Allele origin: germline.
Comment: The p.T18953K variant (also known as c.56858C>A), located in coding exon 153 of the TTN gene, results from a C to A substitution at nucleotide position 56858. The threonine at codon 18953 is replaced by lysine, an amino acid with similar properties. This amino acid position is well conserved in available vertebrate species. In addition, this alteration is predicted to be tolerated by in silico analysis. Since supporting evidence is limited at this time, the clinical significance of this alteration remains unclear.

NM_001267550.2(TTN):c.84053C>A (p.Thr28018Lys)

Genes: TTN (titin; minus strand), TTN-AS1 (TTN antisense RNA 1; plus strand). Cytogenetic location: 2q31.2.
Variant type: single nucleotide variant.
Coding change: c.84053C>A on transcript NM_001267550.2 (MANE Select); coding-DNA position 84053, C replaced by A.
Protein change: p.Thr28018Lys; replaces threonine 28018 with lysine.
Molecular consequence: missense variant.
Genome position (GRCh38, 1-based): chr2:178,562,079, G>T on the plus strand (C>A on the coding strand, the complement: TTN is on the minus strand). VCF-style: chr2-178562079-G-T. GRCh37 (hg19) VCF-style: chr2-179426806-G-T.
Other names: c.79130C>A, p.Thr26377Lys (NM_001256850.1); c.56858C>A, p.Thr18953Lys (NM_003319.4); c.76349C>A, p.Thr25450Lys (NM_133378.4); c.57233C>A, p.Thr19078Lys (NM_133432.3); c.57434C>A, p.Thr19145Lys (NM_133437.4); short protein forms T19145K, T26377K, T28018K, T18953K, T19078K, T25450K.
Identifiers: ClinVar variation 1749048 (VCV001749048.2), dbSNP rs1703885817, ClinGen allele CA349562665.
Genomic context (GRCh38, chr2:178,562,079, plus strand): 5'-GAAACACATAATTCATAAGTTCCAACATCTTCCTTTGAAGCTTCCTTAATAGATAGTGAT[G>T]TTACAGTCTTTGAAGAAGAAACATTGACTCTAGTTGTCTCTTTAAGAGTCTGACCATCTT-3'
Protein context (NP_001254479.2, residues 28008-28028): RVNVSSSKTV[Thr28018Lys]SLSIKEASKE